The following is an entry in ClinVar:

ClinVar aggregate classification (germline): Uncertain significance (1 of 4 stars; one submission).

Submission:

GeneDx
Classification: Uncertain significance. Last evaluated: 2025-03-05. Review status: criteria provided, single submitter. Criteria: GeneDx Variant Classification Process June 2021. Collection method: clinical testing. Allele origin: germline. Affected: yes.
Comment: Not observed at significant frequency in large population cohorts (gnomAD); In silico analysis supports that this missense variant has a deleterious effect on protein structure/function; Has not been previously published as pathogenic or benign to our knowledge

NM_003136.4(SRP54):c.413A>G (p.Asp138Gly)

Gene: SRP54 (signal recognition particle 54; plus strand). Cytogenetic location: 14q13.2.
Variant type: single nucleotide variant.
Coding change: c.413A>G on transcript NM_003136.4 (MANE Select); coding-DNA position 413, A replaced by G.
Protein change: p.Asp138Gly; replaces aspartic acid 138 with glycine.
Molecular consequence: missense variant.
Genome position (GRCh38, 1-based): chr14:35,008,679, A>G. VCF-style: chr14-35008679-A-G. GRCh37 (hg19) VCF-style: chr14-35477885-A-G.
Other names: c.266A>G, p.Asp89Gly (NM_001146282.2); c.413A>G, p.Asp138Gly (NM_001411017.1, NM_001440813.1); short protein forms D138G, D89G.
Identifiers: ClinVar variation 4082975 (VCV004082975.1).